The following is an entry in ClinVar:

ClinVar aggregate classification (germline): Uncertain significance (1 of 4 stars; one submission).

Conditions:
PURA-related severe neonatal hypotonia-seizures-encephalopathy syndrome (NEDRIHF). Also called: NEURODEVELOPMENTAL DISORDER WITH NEONATAL RESPIRATORY INSUFFICIENCY, HYPOTONIA, AND FEEDING DIFFICULTIES; PURA-Related Neurodevelopmental Disorders. Identifiers: Orphanet 438213, Orphanet 438216, MedGen C4015357, MONDO:1060108, OMIM 616158, MONDO:0018580.

Submission:

Labcorp Genetics (formerly Invitae), Labcorp
Classification: Uncertain significance for PURA-related severe neonatal hypotonia-seizures-encephalopathy syndrome. Last evaluated: 2025-11-12. Review status: criteria provided, single submitter. Criteria: Invitae Variant Classification Sherloc (09022015). Collection method: clinical testing. Allele origin: germline.
Comment: This sequence change affects codon 151 of the PURA mRNA. It is a 'silent' change, meaning that it does not change the encoded amino acid sequence of the PURA protein. This variant is not present in population databases (gnomAD no frequency). This variant has not been reported in the literature in individuals affected with PURA-related conditions. In summary, the available evidence is currently insufficient to determine the role of this variant in disease. Therefore, it has been classified as a Variant of Uncertain Significance.

NM_005859.5(PURA):c.453G>A (p.Glu151=)

Gene: PURA (purine rich element binding protein A; plus strand). Cytogenetic location: 5q31.3.
Variant type: single nucleotide variant.
Coding change: c.453G>A on transcript NM_005859.5 (MANE Select); coding-DNA position 453, G replaced by A.
Protein change: p.Glu151=; no amino-acid change (glutamic acid 151 retained).
Molecular consequence: synonymous variant.
Genome position (GRCh38, 1-based): chr5:140,114,634, G>A. VCF-style: chr5-140114634-G-A. GRCh37 (hg19) VCF-style: chr5-139494219-G-A.
Identifiers: ClinVar variation 4804525 (VCV004804525.1).
Genomic context (GRCh38, chr5:140,114,634, plus strand): 5'-CCTGGCCCAGGCGCAGGACGAGCCGCGCCGGGCGCTCAAAAGCGAGTTCCTGGTGCGCGA[G>A]AACCGCAAGTACTACATGGATCTCAAGGAGAACCAGCGCGGCCGCTTCCTGCGCATCCGC-3'
Protein context (NP_005850.1, residues 141-161): RALKSEFLVR[Glu151=]NRKYYMDLKE